The following is an entry in ClinVar:

NM_001165963.4(SCN1A):c.2255C>T (p.Pro752Leu)

Gene: SCN1A (sodium voltage-gated channel alpha subunit 1; minus strand). Cytogenetic location: 2q24.3.
Variant type: single nucleotide variant.
Coding change: c.2255C>T on transcript NM_001165963.4 (MANE Select); coding-DNA position 2255, C replaced by T.
Protein change: p.Pro752Leu; replaces proline 752 with leucine.
Molecular consequence: missense variant. On other transcripts: 5 prime UTR variant (1), non-coding transcript variant (1).
Genome position (GRCh38, 1-based): chr2:166,041,391, G>A on the plus strand (C>T on the coding strand, the complement: SCN1A is on the minus strand). VCF-style: chr2-166041391-G-A. GRCh37 (hg19) VCF-style: chr2-166897901-G-A.
Other names: c.2171C>T, p.Pro724Leu (NM_001165964.3, NM_001353957.2, NM_001353958.2); c.2255C>T, p.Pro752Leu (NM_001202435.3, NM_001353948.2); c.2222C>T, p.Pro741Leu (NM_001353949.2, NM_001353950.2, NM_001353951.2 and 2 more transcripts); c.2219C>T, p.Pro740Leu (NM_001353954.2, NM_001353955.2); c.2168C>T, p.Pro723Leu (NM_001353960.2); c.-204C>T (NM_001353961.2); short protein forms P741L, P752L, P723L, P724L, P740L.
Identifiers: ClinVar variation 452734 (VCV000452734.2), dbSNP rs1553543331, ClinGen allele CA349064860.

ClinVar aggregate classification (germline): Uncertain significance (1 of 4 stars; one submission).

Submission:

GeneDx
Classification: Uncertain significance. Last evaluated: 2017-10-17. Review status: criteria provided, single submitter. Criteria: GeneDx Variant Classification (06012015). Collection method: clinical testing. Allele origin: germline. Affected: yes.
Comment: The P752L variant has not been published as a pathogenic variant, nor has it been reported as a benign variant to our knowledge. The P752L variant is not observed in large population cohorts (Lek et al., 2016). This variant is a semi-conservative amino acid substitution, which may impact secondary protein structure as these residues differ in some properties. This substitution occurs at a conserved position in the cytoplasmic loop between the first and second homologous domains. In silico analysis predicts this variant is probably damaging to the protein structure/function.